The following is an entry in ClinVar:

ClinVar aggregate classification (germline): Likely benign. Review status: criteria provided, single submitter (1 of 4 stars). 2 submissions from 2 submitters: Likely benign (1). 1 of the submissions does not count toward it. Last evaluated 2024-01-16.

Conditions:
DYRK1B-related disorder. Also called: DYRK1B-related condition.

Allele frequency attached by ClinVar (database versions not stated): gnomAD exomes below 0.00001; TOPMed below 0.00001; gnomAD 0.00001.
gnomAD v4.1: 2 of 1,590,898 alleles (0.00013%); highest among the groups gnomAD compares: Admixed American, 0.0018%; no homozygotes.

Submissions (2):

Labcorp Genetics (formerly Invitae), Labcorp
Classification: Likely benign. Last evaluated: 2024-01-16. Review status: criteria provided, single submitter. Criteria: Invitae Variant Classification Sherloc (09022015). Collection method: clinical testing. Allele origin: germline.

PreventionGenetics, part of Exact Sciences
Classification: Likely benign for DYRK1B-related condition. Last evaluated: 2024-01-15. Review status: no assertion criteria provided. Collection method: clinical testing. Allele origin: germline. Not counted in ClinVar's aggregate classification.
Comment: This variant is classified as likely benign based on ACMG/AMP sequence variant interpretation guidelines (Richards et al. 2015 PMID: 25741868, with internal and published modifications).

NM_004714.3(DYRK1B):c.1512C>T (p.Ser504=)

Gene: DYRK1B (dual specificity tyrosine phosphorylation regulated kinase 1B; minus strand). Cytogenetic location: 19q13.2.
Variant type: single nucleotide variant.
Coding change: c.1512C>T on transcript NM_004714.3 (MANE Select); coding-DNA position 1512, C replaced by T.
Protein change: p.Ser504=; no amino-acid change (serine 504 retained).
Molecular consequence: synonymous variant.
Genome position (GRCh38, 1-based): chr19:39,826,186, G>A on the plus strand (C>T on the coding strand, the complement: DYRK1B is on the minus strand). VCF-style: chr19-39826186-G-A. GRCh37 (hg19) VCF-style: chr19-40316826-G-A.
Other names: c.1392C>T, p.Ser464= (NM_006483.3); c.1428C>T, p.Ser476= (NM_006484.3); c.1512C>T (NM_004714.2).
Identifiers: ClinVar variation 2709749 (VCV002709749.4), dbSNP rs1968526630, ClinGen allele CA507664345.